The following is an entry in ClinVar:

NM_002617.4(PEX10):c.771C>T (p.His257=)

Gene: PEX10 (peroxisomal biogenesis factor 10; minus strand). Cytogenetic location: 1p36.32.
Variant type: single nucleotide variant.
Coding change: c.771C>T on transcript NM_002617.4 (MANE Select); coding-DNA position 771, C replaced by T.
Protein change: p.His257=; no amino-acid change (histidine 257 retained).
Molecular consequence: synonymous variant. On other transcripts: non-coding transcript variant (1).
Genome position (GRCh38, 1-based): chr1:2,406,725, G>A on the plus strand (C>T on the coding strand, the complement: PEX10 is on the minus strand). VCF-style: chr1-2406725-G-A. GRCh37 (hg19) VCF-style: chr1-2338164-G-A.
Other names: c.828C>T, p.His276= (NM_001374425.1); c.396C>T, p.His132= (NM_001374426.1); c.339C>T, p.His113= (NM_001374427.1); c.831C>T, p.His277= (NM_153818.2).
Identifiers: ClinVar variation 750175 (VCV000750175.36), dbSNP rs776503441, ClinGen allele CA538041.

ClinVar aggregate classification (germline): Likely benign. Review status: criteria provided, multiple submitters, no conflicts (2 of 4 stars). 5 submissions from 5 submitters: Likely benign (3). 2 of the submissions do not count toward it. Last evaluated 2026-01-26.

Conditions:
PEX10-related disorder. Also called: PEX10-related condition.
Zellweger spectrum disorders (ZS). Also called: Zellweger Spectrum Disorder (ZSD); Zellweger syndrome; Zellweger Spectrum Disorder; Zellweger Spectrum. Identifiers: Orphanet 912, MedGen C0043459, MONDO:0019609.
Peroxisome biogenesis disorder, complementation group 7 (CG7). Also called: Peroxisome biogenesis disorder, complementation group B. Identifiers: MedGen C1864399.

Allele frequency attached by ClinVar (database versions not stated): gnomAD 0.00005 and 0.00006; TOPMed 0.00005; gnomAD exomes 0.00006; ExAC 0.00012.
gnomAD v4.1: 76 of 1,608,990 alleles (0.0047%); highest among the groups gnomAD compares: Admixed American, 0.0084%; no homozygotes.

Submissions (5):

Labcorp Genetics (formerly Invitae), Labcorp
Classification: Likely benign for Peroxisome biogenesis disorder, complementation group 7. Last evaluated: 2026-01-26. Review status: criteria provided, single submitter. Criteria: Invitae Variant Classification Sherloc (09022015). Collection method: clinical testing. Allele origin: germline.

Blueprint Genetics
Classification: Likely benign. Last evaluated: 2024-11-08. Review status: criteria provided, single submitter. Criteria: ACMG Guidelines, 2015. Collection method: clinical testing. Allele origin: germline.

CeGaT Center for Human Genetics Tuebingen
Classification: Likely benign. Last evaluated: 2022-06-01. Review status: criteria provided, single submitter. Criteria: CeGaT Center For Human Genetics Tuebingen Variant Classification Criteria Version 2. Collection method: clinical testing. Allele origin: germline. Affected: yes. Observed: 1 variant allele.
Comment: PEX10: BP4, BP7

PreventionGenetics, part of Exact Sciences
Classification: Likely benign for PEX10-related condition. Last evaluated: 2021-05-19. Review status: no assertion criteria provided. Collection method: clinical testing. Allele origin: germline. Not counted in ClinVar's aggregate classification.
Comment: This variant is classified as likely benign based on ACMG/AMP sequence variant interpretation guidelines (Richards et al. 2015 PMID: 25741868, with internal and published modifications).

Natera, Inc.
Classification: Uncertain significance for Zellweger syndrome. Last evaluated: 2020-01-24. Review status: no assertion criteria provided. Collection method: clinical testing. Allele origin: germline. Not counted in ClinVar's aggregate classification.